The following is an entry in ClinVar:

ClinVar aggregate classification (germline): Conflicting classifications of pathogenicity. Review status: criteria provided, conflicting classifications (1 of 4 stars). 2 submissions from 2 submitters: Uncertain significance (1); Likely benign (1). Last evaluated 2025-02-01.

Conditions:
Inborn genetic diseases. Identifiers: MedGen C0950123, MeSH D030342.

Submissions (2):

CeGaT Center for Human Genetics Tuebingen
Classification: Likely benign. Last evaluated: 2025-02-01. Review status: criteria provided, single submitter. Criteria: CeGaT Center For Human Genetics Tuebingen Variant Classification Criteria Version 2. Collection method: clinical testing. Allele origin: germline. Affected: yes. Observed: 1 variant allele.
Comment: SOX4: PP3, BS1

Ambry Genetics
Classification: Uncertain significance for Inborn genetic diseases. Last evaluated: 2022-07-20. Review status: criteria provided, single submitter. Criteria: Ambry Variant Classification Scheme 2023. Collection method: clinical testing. Allele origin: germline.

NM_003107.3(SOX4):c.1036G>A (p.Ala346Thr)

Gene: SOX4 (SRY-box transcription factor 4; plus strand). Cytogenetic location: 6p22.3.
Variant type: single nucleotide variant.
Coding change: c.1036G>A on transcript NM_003107.3 (MANE Select); coding-DNA position 1036, G replaced by A.
Protein change: p.Ala346Thr; replaces alanine 346 with threonine.
Molecular consequence: missense variant.
Genome position (GRCh38, 1-based): chr6:21,595,570, G>A. VCF-style: chr6-21595570-G-A. GRCh37 (hg19) VCF-style: chr6-21595801-G-A.
Other names: short protein forms A346T.
Identifiers: ClinVar variation 2372126 (VCV002372126.15), dbSNP rs1008328462, ClinGen allele CA135864452.